The following is an entry in ClinVar:

ClinVar aggregate classification (germline): Likely pathogenic (1 of 4 stars; one submission).

Submission:

GeneDx
Classification: Likely pathogenic. Last evaluated: 2017-07-19. Review status: criteria provided, single submitter. Criteria: GeneDx Variant Classification (06012015). Collection method: clinical testing. Allele origin: germline. Affected: yes.
Comment: The M46R variant has not been published as pathogenic or been reported as benign to our knowledge. This variant is also not observed in large population cohorts (Lek et al., 2016; 1000 Genomes Consortium et al., 2015; Exome Variant Server). The M46R variant is a non-conservative amino acid substitution, which is likely to impact secondary protein structure as these residues differ in polarity, charge, size and/or other properties. Additionally, this substitution occurs at a position that is conserved across species and in silico analysis predicts this variant is probably damaging to the protein structure/function.

NM_001613.4(ACTA2):c.137T>G (p.Met46Arg)

Gene: ACTA2 (actin alpha 2, smooth muscle; minus strand). Cytogenetic location: 10q23.31.
Variant type: single nucleotide variant.
Coding change: c.137T>G on transcript NM_001613.4 (MANE Select); coding-DNA position 137, T replaced by G.
Protein change: p.Met46Arg; replaces methionine 46 with arginine.
Molecular consequence: missense variant.
Genome position (GRCh38, 1-based): chr10:88,947,379, A>C on the plus strand (T>G on the coding strand, the complement: ACTA2 is on the minus strand). VCF-style: chr10-88947379-A-C. GRCh37 (hg19) VCF-style: chr10-90707136-A-C.
Other names: c.137T>G, p.Met46Arg (NM_001141945.3, NM_001320855.2, NM_001406462.1 and 4 more transcripts); short protein forms M46R.
Identifiers: ClinVar variation 432639 (VCV000432639.4), dbSNP rs1554841843, ClinGen allele CA377513550.